The following is an entry in ClinVar:

ClinVar aggregate classification (germline): Uncertain significance (1 of 4 stars; one submission).

Conditions:
Chédiak-Higashi syndrome (CHS). Also called: Chediak-Higashi Syndrome. Identifiers: Orphanet 167, MedGen C0007965, MONDO:0008963, OMIM 214500.

Submission:

Labcorp Genetics (formerly Invitae), Labcorp
Classification: Uncertain significance for Chédiak-Higashi syndrome. Last evaluated: 2025-12-16. Review status: criteria provided, single submitter. Criteria: Invitae Variant Classification Sherloc (09022015). Collection method: clinical testing. Allele origin: germline.
Comment: This sequence change replaces leucine, which is neutral and non-polar, with valine, which is neutral and non-polar, at codon 2872 of the LYST protein (p.Leu2872Val). This variant is not present in population databases (gnomAD no frequency). This variant has not been reported in the literature in individuals affected with LYST-related conditions. An algorithm developed to predict the effect of missense changes on protein structure and function (PolyPhen-2) suggests that this variant is likely to be disruptive. In summary, the available evidence is currently insufficient to determine the role of this variant in disease. Therefore, it has been classified as a Variant of Uncertain Significance.

NM_000081.4(LYST):c.8614C>G (p.Leu2872Val)

Gene: LYST (lysosomal trafficking regulator; minus strand). Cytogenetic location: 1q42.3.
Variant type: single nucleotide variant.
Coding change: c.8614C>G on transcript NM_000081.4 (MANE Select); coding-DNA position 8614, C replaced by G.
Protein change: p.Leu2872Val; replaces leucine 2872 with valine.
Molecular consequence: missense variant.
Genome position (GRCh38, 1-based): chr1:235,733,690, G>C on the plus strand (C>G on the coding strand, the complement: LYST is on the minus strand). VCF-style: chr1-235733690-G-C. GRCh37 (hg19) VCF-style: chr1-235896990-G-C.
Other names: c.8614C>G, p.Leu2872Val (NM_001301365.1); short protein forms L2872V.
Identifiers: ClinVar variation 4772488 (VCV004772488.1).